The following is an entry in ClinVar:

NM_017882.3(CLN6):c.814C>G (p.Leu272Val)

Gene: CLN6 (CLN6 transmembrane ER protein; minus strand). Cytogenetic location: 15q23.
Variant type: single nucleotide variant.
Coding change: c.814C>G on transcript NM_017882.3 (MANE Select); coding-DNA position 814, C replaced by G.
Protein change: p.Leu272Val; replaces leucine 272 with valine.
Molecular consequence: missense variant.
Genome position (GRCh38, 1-based): chr15:68,208,262, G>C on the plus strand (C>G on the coding strand, the complement: CLN6 is on the minus strand). VCF-style: chr15-68208262-G-C. GRCh37 (hg19) VCF-style: chr15-68500600-G-C.
Other names: c.910C>G, p.Leu304Val (NM_001411068.1); short protein forms L272V, L304V.
Identifiers: ClinVar variation 2159530 (VCV002159530.7), dbSNP rs755397770, ClinGen allele CA392971883.

ClinVar aggregate classification (germline): Conflicting classifications of pathogenicity. Review status: criteria provided, conflicting classifications (1 of 4 stars). 4 submissions from 4 submitters: Likely pathogenic (1); Uncertain significance (3). Last evaluated 2026-03-25.

Conditions:
Neuronal ceroid lipofuscinosis. Also called: Neuronal Ceroid Lipofuscinoses. Identifiers: Orphanet 216, Orphanet 79263, MedGen C0027877, MONDO:0016295. Disease mechanism: loss of function.
Ceroid lipofuscinosis, neuronal, 6B (Kufs type). Also called: Neuronal ceroid lipofuscinosis 4A. Identifiers: Orphanet 700477, MedGen C5561927, MONDO:0008768, OMIM 204300.
Ceroid lipofuscinosis, neuronal, 6A. Also called: Neuronal ceroid lipofuscinosis, Gypsy/Indian early juvenile variant; Neuronal ceroid lipofuscinosis 6; CLN6-Related Neuronal Ceroid-Lipofuscinosis; Neuronal ceroid lipofuscinosis, late infantile, variant. Identifiers: Orphanet 168491, Orphanet 228363, MedGen C5551375, MONDO:0011144, OMIM 601780.

Allele frequency attached by ClinVar (database versions not stated): TOPMed below 0.00001.
gnomAD v4.1: 3 of 1,614,162 alleles (0.00019%); highest among the groups gnomAD compares: African/African-American, 0.0013%; no homozygotes.

Submissions (4):

Myriad Genetics, Inc.
Classification: Uncertain significance for Neuronal ceroid lipofuscinosis. Last evaluated: 2026-03-25. Review status: criteria provided, single submitter. Criteria: Myriad Autosomal Dominant, Autosomal Recessive and X-Linked Classification Criteria (2023). Collection method: clinical testing. Allele origin: unknown.
Comment: NM_017882.2(CLN6):c.814C>G(L272V) is a missense variant classified as a variant of uncertain significance in the context of neuronal ceroid lipofuscinosis, CLN6-related. L272V has been observed in a case with relevant disease (PMID: 30561534). Relevant functional assessments of this variant are not available in the literature. L272V has not been observed in referenced population frequency databases. In summary, there is insufficient evidence to classify NM_017882.2(CLN6):c.814C>G(L272V) as pathogenic or benign. Please note: this variant was assessed in the context of healthy population screening.

Fulgent Genetics
Classification: Likely pathogenic for Ceroid lipofuscinosis, neuronal, 6B (Kufs type); Ceroid lipofuscinosis, neuronal, 6A. Last evaluated: 2024-06-22. Review status: criteria provided, single submitter. Criteria: ACMG Guidelines, 2015. Collection method: clinical testing. Allele origin: germline.

Women's Health and Genetics/Laboratory Corporation of America, LabCorp
Classification: Uncertain significance. Last evaluated: 2024-06-21. Review status: criteria provided, single submitter. Criteria: LabCorp Variant Classification Summary - May 2015. Collection method: clinical testing. Allele origin: germline.
Comment: Variant summary: CLN6 c.814C>G (p.Leu272Val) results in a conservative amino acid change in the encoded protein sequence. Four of five in-silico tools predict a damaging effect of the variant on protein function. The variant was absent in 251374 control chromosomes. c.814C>G has been reported in the literature in compound heterozygous individuals affected with Neuronal Ceroid-Lipofuscinosis (Batten Disease), with the pathogenicity of the other variant unknown (Berkovic_2019, Canafoglia_2021). These report(s) do not provide unequivocal conclusions about association of the variant with Neuronal Ceroid-Lipofuscinosis (Batten Disease). To our knowledge, no experimental evidence demonstrating an impact on protein function has been reported. The following publications have been ascertained in the context of this evaluation (PMID: 30561534, 34786481). ClinVar contains an entry for this variant (Variation ID: 2159530). Based on the evidence outlined above, the variant was classified as uncertain significance.

Labcorp Genetics (formerly Invitae), Labcorp
Classification: Uncertain significance for Neuronal ceroid lipofuscinosis. Last evaluated: 2024-02-23. Review status: criteria provided, single submitter. Criteria: Invitae Variant Classification Sherloc (09022015). Collection method: clinical testing. Allele origin: germline.
Comment: This sequence change replaces leucine, which is neutral and non-polar, with valine, which is neutral and non-polar, at codon 272 of the CLN6 protein (p.Leu272Val). This variant is not present in population databases (gnomAD no frequency). This missense change has been observed in individual(s) with Kufs disease (PMID: 30561534). ClinVar contains an entry for this variant (Variation ID: 2159530). Advanced modeling of protein sequence and biophysical properties (such as structural, functional, and spatial information, amino acid conservation, physicochemical variation, residue mobility, and thermodynamic stability) has been performed at Invitae for this missense variant, however the output from this modeling did not meet the statistical confidence thresholds required to predict the impact of this variant on CLN6 protein function. In summary, the available evidence is currently insufficient to determine the role of this variant in disease. Therefore, it has been classified as a Variant of Uncertain Significance.

Literature cited by the submitters: PubMed 30561534 (cited by 3 submitters); PubMed 34786481 (cited by Women's Health and Genetics/Laboratory Corporation of America, LabCorp).